The following is an entry in ClinVar:

ClinVar aggregate classification (germline): Pathogenic (1 of 4 stars; one submission).

Conditions:
Meckel-Gruber syndrome. Also called: DYSENCEPHALIA SPLANCHNOCYSTICA; GRUBER SYNDROME; Dysencephalia splachnocystica. Identifiers: Orphanet 564, MedGen C0265215, MONDO:0018921.
Joubert syndrome. Also called: CEREBELLOPARENCHYMAL DISORDER IV; JOUBERT-BOLTSHAUSER SYNDROME; Familial aplasia of the vermis. Identifiers: Orphanet 475, MedGen C5979921, MONDO:0018772.

Allele frequency attached by ClinVar (database versions not stated): gnomAD 0.00002; TOPMed 0.00003.

Submission:

Labcorp Genetics (formerly Invitae), Labcorp
Classification: Pathogenic for Joubert syndrome; Meckel-Gruber syndrome. Last evaluated: 2026-01-18. Review status: criteria provided, single submitter. Criteria: Invitae Variant Classification Sherloc (09022015). Collection method: clinical testing. Allele origin: germline.
Comment: This sequence change creates a premature translational stop signal (p.Ala221Serfs*69) in the TCTN2 gene. It is expected to result in an absent or disrupted protein product. Loss-of-function variants in TCTN2 are known to be pathogenic (PMID: 21565611). This variant is present in population databases (no rsID available, gnomAD 0.01%). This variant has not been reported in the literature in individuals affected with TCTN2-related conditions. ClinVar contains an entry for this variant (Variation ID: 461767). For these reasons, this variant has been classified as Pathogenic.

Literature cited by the submitters: PubMed 21565611.

NM_024809.5(TCTN2):c.652_659dup (p.Ala221fs)

Gene: TCTN2 (tectonic family member 2; plus strand). Cytogenetic location: 12q24.31.
Variant type: Duplication.
Coding change: c.652_659dup on transcript NM_024809.5 (MANE Select); coding-DNA positions 652 to 659, 8 bases duplicated (CTCTGCTC; older notation c.652_659dupCTCTGCTC).
Protein change: p.Ala221fs; shifts the reading frame from alanine 221.
Molecular consequence: frameshift variant.
Genome position (GRCh38, 1-based): chr12:123,686,923-123,686,930, CTCTGCTC duplicated. VCF-style (leftmost placement, unchanged base first): chr12-123686922-G-GCTCTGCTC. GRCh37 (hg19) VCF-style: chr12-124171469-G-GCTCTGCTC.
Other names: c.652_659dupCTCTGCTC (NM_024809.4); c.649_656dup, p.Ala220fs (NM_001143850.3); short protein forms A221fs, A220fs.
Identifiers: ClinVar variation 461767 (VCV000461767.7), dbSNP rs915737037, ClinGen allele CA245195511.
Genomic context (GRCh38, chr12:123,686,922, plus strand): 5'-GTTCAGACGGTCCTGCTTCACCGGCGTGTTTGGAGGAGACGTCAATCCTCCTTTTGATCA[G>GCTCTGCTC]CTCTGCTCTGCTGGGACGACGACACGTGGTGTCCCCGATTGGTTTCCCTTTCTGTGTGTG-3'